The following is an entry in ClinVar:

ClinVar aggregate classification (germline): Uncertain significance (1 of 4 stars; one submission).

Submission:

Clinical Genomics Laboratory, Laboratory for Precision Diagnostics, University of Washington
Classification: Uncertain significance. Last evaluated: 2023-12-19. Review status: criteria provided, single submitter. Criteria: ACMG/ClinGen CNV Guidelines, 2019. Collection method: clinical testing. Allele origin: unknown. Affected: yes. Observed: 1 variant allele.
Comment: This interstitial duplication is approximately 666 kb and affects 9 protein-coding genes. None of the genes in this region are known to cause medical problems in humans when an extra copy is present (triplosensitivity), and this is not a known triplosensitive genomic region. The proximal breakpoint of the duplication lies within ROR2 and the distal breakpoint lies within CENPP. It is unknown whether this duplication would disrupt ROR2 or CENPP, affect their expression, or form a gene fusion. It affects 9 protein-coding elements but doesn’t overlap any known dosage sensitive genes or regions. Parental follow-up testing was not done. A review of public databases and the medical literature shows two submissions to ClinVar of a similar duplication. One was classified as a VUS by Quest Diagnostics on 12/1/21; no phenotype was given and inheritance was unknown. The other was classified as a VUS by Bionano Labs on 5/25/17. No similar duplications appear in the Database of Genomic Variants (DGV) or gnomAD.

GRCh38/hg38 9q22.31(chr9:91925645-92591503)x3

Genes: NOL8 (nucleolar protein 8; minus strand), OMD (osteomodulin; minus strand), PRSS47 (serine protease 47; minus strand), OGN (osteoglycin; minus strand), ASPN (asporin; minus strand) and 22 more. Cytogenetic location: 9q22.31.
Variant type: copy number gain.
Change: copy number 3 (three copies instead of two) of chr9:91,925,645-92,591,503 (665.9 kb, GRCh38 coordinates, 1-based), cytogenetic band 9q22.31.
Identifiers: ClinVar variation 4890967 (VCV004890967.1).